The following is an entry in ClinVar:

NM_001025295.3(IFITM5):c.338G>A (p.Arg113Gln)

Gene: IFITM5 (interferon induced transmembrane protein 5; minus strand). Cytogenetic location: 11p15.5.
Variant type: single nucleotide variant.
Coding change: c.338G>A on transcript NM_001025295.3 (MANE Select); coding-DNA position 338, G replaced by A.
Protein change: p.Arg113Gln; replaces arginine 113 with glutamine.
Molecular consequence: missense variant.
Genome position (GRCh38, 1-based): chr11:298,562, C>T on the plus strand (G>A on the coding strand, the complement: IFITM5 is on the minus strand). VCF-style: chr11-298562-C-T. GRCh37 (hg19) VCF-style: chr11-298562-C-T.
Other names: c.338G>A (NM_001025295.1); short protein forms R113Q.
Identifiers: ClinVar variation 1517862 (VCV001517862.9), dbSNP rs112478479, ClinGen allele CA5773380.

ClinVar aggregate classification (germline): Conflicting classifications of pathogenicity. Review status: criteria provided, conflicting classifications (1 of 4 stars). 3 submissions from 3 submitters: Uncertain significance (1); Benign (1); Likely benign (1). Last evaluated 2026-05-13.

Conditions:
Inborn genetic diseases. Identifiers: MedGen C0950123, MeSH D030342.

Allele frequency attached by ClinVar (database versions not stated): 1000 Genomes Project 0.00020; ESP Exome Variant Server 0.00015; 1000 Genomes Project 30x 0.00062.
gnomAD v4.1: 159 of 1,613,280 alleles (0.0099%); highest among the groups gnomAD compares: African/African-American, 0.063%; no homozygotes.

Submissions (3):

Women's Health and Genetics/Laboratory Corporation of America, LabCorp
Classification: Likely benign. Last evaluated: 2026-05-13. Review status: criteria provided, single submitter. Criteria: LabCorp Variant Classification Summary - May 2015. Collection method: clinical testing. Allele origin: germline.
Comment: Variant summary: IFITM5 c.338G>A (p.Arg113Gln) results in a conservative amino acid change in the encoded protein sequence. Algorithms developed to predict the effect of missense changes on protein structure and function all suggest that this variant is likely to be tolerated. The variant allele was found at a frequency of 9.2e-05 in 249874 control chromosomes. The observed variant frequency exceeds the estimated maximal expected allele frequency for disease-causing variants in IFITM5. To our knowledge, no occurrence of c.338G>A in individuals affected with IFITM5-related conditions and no experimental evidence demonstrating its impact on protein function have been reported. ClinVar contains an entry for this variant (Variation ID: 1517862). Based on the evidence outlined above, the variant was classified as likely benign.

Labcorp Genetics (formerly Invitae), Labcorp
Classification: Benign. Last evaluated: 2025-08-03. Review status: criteria provided, single submitter. Criteria: Invitae Variant Classification Sherloc (09022015). Collection method: clinical testing. Allele origin: germline.

Ambry Genetics
Classification: Uncertain significance for Inborn genetic diseases. Last evaluated: 2021-08-30. Review status: criteria provided, single submitter. Criteria: Ambry Variant Classification Scheme 2023. Collection method: clinical testing. Allele origin: germline.